The following is an entry in ClinVar:

NM_014780.5(CUL7):c.1171G>A (p.Glu391Lys)

Gene: CUL7 (cullin 7; minus strand). Cytogenetic location: 6p21.1.
Variant type: single nucleotide variant.
Coding change: c.1171G>A on transcript NM_014780.5 (MANE Select); coding-DNA position 1171, G replaced by A.
Protein change: p.Glu391Lys; replaces glutamic acid 391 with lysine.
Molecular consequence: missense variant.
Genome position (GRCh38, 1-based): chr6:43,051,030, C>T on the plus strand (G>A on the coding strand, the complement: CUL7 is on the minus strand). VCF-style: chr6-43051030-C-T. GRCh37 (hg19) VCF-style: chr6-43018768-C-T.
Other names: c.1267G>A, p.Glu423Lys (NM_001168370.2, NM_001374872.1); c.1171G>A, p.Glu391Lys (NM_001374873.1, NM_001374874.1); short protein forms E391K, E423K.
Identifiers: ClinVar variation 1415435 (VCV001415435.8), dbSNP rs1441557300, ClinGen allele CA364226775.

ClinVar aggregate classification (germline): Uncertain significance (1 of 4 stars; one submission).

Allele frequency attached by ClinVar (database versions not stated): gnomAD exomes 0.00001.
gnomAD v4.1: 1 of 1,598,678 alleles (0.000063%); highest among the groups gnomAD compares: South Asian, 0.0011%; no homozygotes.

Submission:

Labcorp Genetics (formerly Invitae), Labcorp
Classification: Uncertain significance. Last evaluated: 2021-03-21. Review status: criteria provided, single submitter. Criteria: Invitae Variant Classification Sherloc (09022015). Collection method: clinical testing. Allele origin: germline.
Comment: This sequence change replaces glutamic acid with lysine at codon 391 of the CUL7 protein (p.Glu391Lys). The glutamic acid residue is highly conserved and there is a small physicochemical difference between glutamic acid and lysine. In summary, the available evidence is currently insufficient to determine the role of this variant in disease. Therefore, it has been classified as a Variant of Uncertain Significance. Algorithms developed to predict the effect of missense changes on protein structure and function are either unavailable or do not agree on the potential impact of this missense change (SIFT: "Deleterious"; PolyPhen-2: "Possibly Damaging"; Align-GVGD: "Class C15"). This variant has not been reported in the literature in individuals with CUL7-related conditions. This variant is not present in population databases (ExAC no frequency).